The following is an entry in ClinVar:

ClinVar aggregate classification (germline): Uncertain significance. Review status: criteria provided, multiple submitters, no conflicts (2 of 4 stars). 2 submissions from 2 submitters: Uncertain significance (2). Last evaluated 2022-11-10.

Conditions:
Dyskeratosis congenita, autosomal dominant 2. Identifiers: MedGen C3151443, MONDO:0013521, OMIM 613989.
Idiopathic Pulmonary Fibrosis. Also called: Idiopathic fibrosing alveolitis, chronic form; idiopathic fibrosing alveolitis. Identifiers: Orphanet 2032, MedGen C1800706, MeSH D054990, MONDO:0800504.
Dyskeratosis congenita. Identifiers: Orphanet 1775, MedGen C0265965, MONDO:0015780.

Submissions (2):

Ambry Genetics
Classification: Uncertain significance for Dyskeratosis congenita. Last evaluated: 2022-11-10. Review status: criteria provided, single submitter. Criteria: Ambry Variant Classification Scheme 2023. Collection method: clinical testing. Allele origin: germline.
Comment: The p.G476S variant (also known as c.1426G>A), located in coding exon 2 of the TERT gene, results from a G to A substitution at nucleotide position 1426. The glycine at codon 476 is replaced by serine, an amino acid with similar properties. This amino acid position is conserved. In addition, this alteration is predicted to be tolerated by in silico analysis. Since supporting evidence is limited at this time, the clinical significance of this alteration remains unclear.

Labcorp Genetics (formerly Invitae), Labcorp
Classification: Uncertain significance for Dyskeratosis congenita, autosomal dominant 2; Idiopathic Pulmonary Fibrosis. Last evaluated: 2022-10-08. Review status: criteria provided, single submitter. Criteria: Invitae Variant Classification Sherloc (09022015). Collection method: clinical testing. Allele origin: germline.
Comment: This variant has not been reported in the literature in individuals affected with TERT-related conditions. This variant is not present in population databases (gnomAD no frequency). This sequence change replaces glycine, which is neutral and non-polar, with serine, which is neutral and polar, at codon 476 of the TERT protein (p.Gly476Ser). In summary, the available evidence is currently insufficient to determine the role of this variant in disease. Therefore, it has been classified as a Variant of Uncertain Significance. Advanced modeling of protein sequence and biophysical properties (such as structural, functional, and spatial information, amino acid conservation, physicochemical variation, residue mobility, and thermodynamic stability) performed at Invitae indicates that this missense variant is expected to disrupt TERT protein function.

NM_198253.3(TERT):c.1426G>A (p.Gly476Ser)

Gene: TERT (telomerase reverse transcriptase; minus strand). Cytogenetic location: 5p15.33.
Variant type: single nucleotide variant.
Coding change: c.1426G>A on transcript NM_198253.3 (MANE Select); coding-DNA position 1426, G replaced by A.
Protein change: p.Gly476Ser; replaces glycine 476 with serine.
Molecular consequence: missense variant. On other transcripts: non-coding transcript variant (2).
Genome position (GRCh38, 1-based): chr5:1,293,460, C>T on the plus strand (G>A on the coding strand, the complement: TERT is on the minus strand). VCF-style: chr5-1293460-C-T. GRCh37 (hg19) VCF-style: chr5-1293575-C-T.
Other names: c.1426G>A, p.Gly476Ser (NM_001193376.3, NM_003219.1); short protein forms G476S.
Identifiers: ClinVar variation 1721262 (VCV001721262.8), dbSNP rs2478409754, ClinGen allele CA359085679.
Genomic context (GRCh38, chr5:1,293,460, plus strand): 5'-AGATGAACTTCTTGGTGTTCCTGAGGAAGCGGCGTTCGTTGTGCCTGGAGCCCCAGAGGC[C>T]TGGGGGCACCAGCCGGCGCAGGCAGGCCCGCACGAAGCCGTACACCTGCCAGGGGCTGCT-3'
Protein context (NP_937983.2, residues 466-486): RACLRRLVPP[Gly476Ser]LWGSRHNERR